The following is an entry in ClinVar:

ClinVar aggregate classification (germline): Pathogenic/Likely pathogenic. Review status: criteria provided, multiple submitters, no conflicts (2 of 4 stars). 3 submissions from 3 submitters: Pathogenic (1); Likely pathogenic (1). 1 of the submissions does not count toward it. Last evaluated 2025-11-07.

Conditions:
Neurodevelopmental disorder. Identifiers: MedGen C1535926, MeSH D065886, MONDO:0700092.
Neurodevelopmental disorder with hypotonia, feeding difficulties, facial dysmorphism, and brain abnormalities. Identifiers: MedGen C5935629, MONDO:0971043, OMIM 620852.

Submissions (3):

3billion
Classification: Pathogenic for Neurodevelopmental disorder with hypotonia, feeding difficulties, facial dysmorphism, and brain abnormalities. Last evaluated: 2025-11-07. Review status: criteria provided, single submitter. Criteria: ACMG Guidelines, 2015. Collection method: clinical testing. Allele origin: germline. Affected: yes.
Comment: The variant is not observed in the gnomAD v4.1.0 dataset. Predicted Consequence/Location: Frameshift: predicted to result in a loss or disruption of normal protein function through nonsense-mediated decay (NMD) or protein truncation. Multiple pathogenic variants are reported downstream of the variant. The variant has been reported at least twice as pathogenic without evidence for the classification (ClinVar ID: VCV002500810 /PMID: 37963460 /3billion dataset). Therefore, this variant is classified as Pathogenic according to the recommendation of ACMG/AMP guideline.

Hadassah Hebrew University Medical Center
Classification: Likely pathogenic for Neurodevelopmental disorder. Last evaluated: 2023-05-01. Review status: criteria provided, single submitter. Criteria: ACMG Guidelines, 2015. Collection method: clinical testing. Allele origin: germline. Affected: yes. Observed: 1 homozygote.

OMIM
No classification provided. Condition: NEURODEVELOPMENTAL DISORDER WITH HYPOTONIA, FEEDING DIFFICULTIES, FACIAL DYSMORPHISM, AND BRAIN ABNORMALITIES. Last evaluated: 2024-06-18. Review status: no classification provided. Collection method: literature only. Allele origin: germline. Not counted in ClinVar's aggregate classification.

Literature cited by the submitters: PubMed 37963460 (cited by 3billion and OMIM).

NM_007187.5(WBP4):c.499del (p.Thr167fs)

Gene: WBP4 (WW domain binding protein 4; plus strand). Cytogenetic location: 13q14.11.
Variant type: Deletion.
Coding change: c.499del on transcript NM_007187.5 (MANE Select); coding-DNA position 499, one base deleted (A; older notation c.499delA).
Protein change: p.Thr167fs; shifts the reading frame from threonine 167.
Molecular consequence: frameshift variant.
Genome position (GRCh38, 1-based): chr13:41,072,794, A deleted. VCF-style (leftmost placement, unchanged base first): chr13-41072793-GA-G. GRCh37 (hg19) VCF-style: chr13-41646929-GA-G.
Other names: c.499delA (NM_007187.5); short protein forms T167fs.
Identifiers: ClinVar variation 2500810 (VCV002500810.4), dbSNP rs2541856897, ClinGen allele CA2582341847.